The following is an entry in ClinVar:

NM_000371.4(TTR):c.441A>G (p.Glu147=)

Gene: TTR (transthyretin; plus strand). Cytogenetic location: 18q12.1.
Variant type: single nucleotide variant.
Coding change: c.441A>G on transcript NM_000371.4 (MANE Select); coding-DNA position 441, A replaced by G.
Protein change: p.Glu147=; no amino-acid change (glutamic acid 147 retained).
Molecular consequence: synonymous variant.
Genome position (GRCh38, 1-based): chr18:31,598,672, A>G. VCF-style: chr18-31598672-A-G. GRCh37 (hg19) VCF-style: chr18-29178635-A-G.
Identifiers: ClinVar variation 1058356 (VCV001058356.11), dbSNP rs370056601, ClinGen allele CA8928515.

ClinVar aggregate classification (germline): Likely benign. Review status: criteria provided, multiple submitters, no conflicts (2 of 4 stars). 4 submissions from 4 submitters: Likely benign (4). Last evaluated 2026-01-29.

Conditions:
TTR-related disorder. Also called: TTR-related disorders; TTR-related condition.
Amyloidosis, hereditary systemic 1 (AMYLD1). Also called: Hereditary oculoleptomeningeal amyloid angiopathy; Familial Transthyretin Amyloidosis; Familial amyloid polyneuropathy; Transthyretin Amyloidosis; AMYLOID CARDIOMYOPATHY; Hereditary Transthyretin Amyloidosis. Identifiers: Orphanet 85447, Orphanet 85451, MedGen C2751492, MONDO:0971004, OMIM 105210.

Allele frequency attached by ClinVar (database versions not stated): gnomAD 0.00002; TOPMed 0.00003; ESP Exome Variant Server 0.00008.

Submissions (4):

Labcorp Genetics (formerly Invitae), Labcorp
Classification: Likely benign for Amyloidosis, hereditary systemic 1. Last evaluated: 2026-01-29. Review status: criteria provided, single submitter. Criteria: Invitae Variant Classification Sherloc (09022015). Collection method: clinical testing. Allele origin: germline.

Women's Health and Genetics/Laboratory Corporation of America, LabCorp
Classification: Likely benign. Last evaluated: 2025-12-26. Review status: criteria provided, single submitter. Criteria: LabCorp Variant Classification Summary - May 2015. Collection method: clinical testing. Allele origin: germline.

PreventionGenetics, part of Exact Sciences
Classification: Likely benign for TTR-related condition. Last evaluated: 2025-06-03. Review status: criteria provided, single submitter. Criteria: ACMG Guidelines, 2015. Collection method: clinical testing. Allele origin: germline.
Comment: This variant is classified as likely benign based on ACMG/AMP sequence variant interpretation guidelines (Richards et al. 2015 PMID: 25741868, with internal and published modifications).

GeneDx
Classification: Likely benign. Last evaluated: 2019-03-26. Review status: criteria provided, single submitter. Criteria: GeneDx Variant Classification Process June 2021. Collection method: clinical testing. Allele origin: germline. Affected: yes.